The following is an entry in ClinVar:

ClinVar aggregate classification (germline): Uncertain significance. Review status: criteria provided, multiple submitters, no conflicts (2 of 4 stars). 2 submissions from 2 submitters: Uncertain significance (2). Last evaluated 2026-05-01.

Conditions:
Inborn genetic diseases. Identifiers: MedGen C0950123, MeSH D030342.

gnomAD v4.1: 32 of 1,424,660 alleles (0.0022%); highest among the groups gnomAD compares: Non-Finnish European, 0.0032%; no homozygotes.

Submissions (2):

CeGaT Center for Human Genetics Tuebingen
Classification: Uncertain significance. Last evaluated: 2026-05-01. Review status: criteria provided, single submitter. Criteria: CeGaT Center For Human Genetics Tuebingen Variant Classification Criteria Version 2. Collection method: clinical testing. Allele origin: germline. Affected: yes. Observed: 1 variant allele.
Comment: MARVELD2: PM2, BP4

Ambry Genetics
Classification: Uncertain significance for Inborn genetic diseases. Last evaluated: 2025-03-11. Review status: criteria provided, single submitter. Criteria: Ambry Variant Classification Scheme 2023. Collection method: clinical testing. Allele origin: germline.

NM_001038603.3(MARVELD2):c.1543A>C (p.Lys515Gln)

Gene: MARVELD2 (MARVEL domain containing 2; plus strand). Cytogenetic location: 5q13.2.
Variant type: single nucleotide variant.
Coding change: c.1543A>C on transcript NM_001038603.3 (MANE Select); coding-DNA position 1543, A replaced by C.
Protein change: p.Lys515Gln; replaces lysine 515 with glutamine.
Molecular consequence: missense variant.
Genome position (GRCh38, 1-based): chr5:69,440,489, A>C. VCF-style: chr5-69440489-A-C. GRCh37 (hg19) VCF-style: chr5-68736316-A-C.
Other names: c.1507A>C, p.Lys503Gln (NM_001244734.2); short protein forms K503Q, K515Q.
Identifiers: ClinVar variation 3870647 (VCV003870647.3).